The following is an entry in ClinVar:

ClinVar aggregate classification (germline): Conflicting classifications of pathogenicity. Review status: criteria provided, conflicting classifications (1 of 4 stars). 2 submissions from 2 submitters: Uncertain significance (1); Likely benign (1). Last evaluated 2023-03-23.

Conditions:
Hereditary cancer-predisposing syndrome. Also called: Hereditary Cancer Syndrome; Hereditary neoplastic syndrome; Neoplastic Syndromes, Hereditary; Tumor predisposition. Identifiers: Orphanet 140162, MedGen C0027672, MeSH D009386, MONDO:0015356.

Allele frequency attached by ClinVar (database versions not stated): gnomAD exomes below 0.00001.
gnomAD v4.1: 1 of 1,613,196 alleles (0.000062%); highest among the groups gnomAD compares: Non-Finnish European, 0.000085%; no homozygotes.

Submissions (2):

University of Washington Department of Laboratory Medicine, University of Washington
Classification: Likely benign for Hereditary cancer-predisposing syndrome. Last evaluated: 2023-03-23. Review status: criteria provided, single submitter. Criteria: Dines et al. (Genet Med. 2020). Collection method: curation. Allele origin: germline.
Comment: Missense variant in a coldspot region where missense variants are very unlikely to be pathogenic (PMID:31911673).

BRCA2 exon 11 coldspot. Reclassification based on statistical prior probability.

Ambry Genetics
Classification: Uncertain significance for Hereditary cancer-predisposing syndrome. Last evaluated: 2022-05-23. Review status: criteria provided, single submitter. Criteria: Ambry Variant Classification Scheme 2023. Collection method: clinical testing. Allele origin: germline.
Comment: The p.L1939S variant (also known as c.5816T>C), located in coding exon 10 of the BRCA2 gene, results from a T to C substitution at nucleotide position 5816. The leucine at codon 1939 is replaced by serine, an amino acid with dissimilar properties. This amino acid position is not well conserved in available vertebrate species. In addition, this alteration is predicted to be tolerated by in silico analysis. Since supporting evidence is limited at this time, the clinical significance of this alteration remains unclear.

NM_000059.4(BRCA2):c.5816T>C (p.Leu1939Ser)

Gene: BRCA2 (BRCA2 DNA repair associated; plus strand). Cytogenetic location: 13q13.1.
Variant type: single nucleotide variant.
Coding change: c.5816T>C on transcript NM_000059.4 (MANE Select); coding-DNA position 5816, T replaced by C.
Protein change: p.Leu1939Ser; replaces leucine 1939 with serine.
Molecular consequence: missense variant.
Genome position (GRCh38, 1-based): chr13:32,340,171, T>C. VCF-style: chr13-32340171-T-C. GRCh37 (hg19) VCF-style: chr13-32914308-T-C.
Other names: c.5816T>C, p.Leu1939Ser (NM_001406719.1, NM_001406720.1); short protein forms L1939S.
Identifiers: ClinVar variation 1749866 (VCV001749866.4), dbSNP rs2072539219, ClinGen allele CA387787269.